The following is an entry in ClinVar:

ClinVar aggregate classification (germline): Likely benign (1 of 4 stars; one submission).

gnomAD v4.1: 8 of 1,613,498 alleles (0.0005%); highest among the groups gnomAD compares: Admixed American, 0.013%; no homozygotes.

Submission:

CeGaT Center for Human Genetics Tuebingen
Classification: Likely benign. Last evaluated: 2026-03-01. Review status: criteria provided, single submitter. Criteria: CeGaT Center For Human Genetics Tuebingen Variant Classification Criteria Version 2. Collection method: clinical testing. Allele origin: germline. Affected: yes. Observed: 1 variant allele.
Comment: SYT1: BP4, BP7

NM_005639.3(SYT1):c.750A>G (p.Thr250=)

Gene: SYT1 (synaptotagmin 1; plus strand). Cytogenetic location: 12q21.2.
Variant type: single nucleotide variant.
Coding change: c.750A>G on transcript NM_005639.3 (MANE Select); coding-DNA position 750, A replaced by G.
Protein change: p.Thr250=; no amino-acid change (threonine 250 retained).
Molecular consequence: synonymous variant.
Genome position (GRCh38, 1-based): chr12:79,299,491, A>G. VCF-style: chr12-79299491-A-G. GRCh37 (hg19) VCF-style: chr12-79693271-A-G.
Other names: c.750A>G, p.Thr250= (NM_001135805.2, NM_001135806.2, NM_001415938.1 and 2 more transcripts); c.741A>G, p.Thr247= (NM_001291901.2, NM_001415941.1, NM_001415942.1 and 1 more transcripts).
Identifiers: ClinVar variation 4823649 (VCV004823649.4).
Genomic context (GRCh38, chr12:79,299,491, plus strand): 5'-TGATTTTGATCGTTTCTCTAAGCATGACATCATTGGAGAATTTAAAGTCCCTATGAACAC[A>G]GTGGATTTTGGCCATGTAACTGAGGAATGGCGTGACCTGCAAAGTGCTGAGAAGGAAGAG-3'
Protein context (NP_005630.1, residues 240-260): IIGEFKVPMN[Thr250=]VDFGHVTEEW